The following is an entry in ClinVar:

ClinVar aggregate classification (germline): Likely benign. Review status: criteria provided, multiple submitters, no conflicts (2 of 4 stars). 5 submissions from 5 submitters: Likely benign (4). 1 of the submissions does not count toward it. Last evaluated 2024-09-12.

Conditions:
TNXB-related disorder. Also called: TNXB-related condition.
Cardiovascular phenotype. Identifiers: MedGen CN230736.

Allele frequency attached by ClinVar (database versions not stated): TOPMed 0.00010; gnomAD 0.00011 and 0.00012; ESP Exome Variant Server 0.00013; ExAC 0.00016; gnomAD exomes 0.00024 and 0.00011.
gnomAD v4.1: 361 of 1,612,702 alleles (0.022%); highest among the groups gnomAD compares: Non-Finnish European, 0.029%; no homozygotes.

Submissions (5):

Blueprint Genetics
Classification: Likely benign. Last evaluated: 2024-09-12. Review status: criteria provided, single submitter. Criteria: ACMG Guidelines, 2015. Collection method: clinical testing. Allele origin: germline.

CeGaT Center for Human Genetics Tuebingen
Classification: Likely benign. Last evaluated: 2023-10-01. Review status: criteria provided, single submitter. Criteria: CeGaT Center For Human Genetics Tuebingen Variant Classification Criteria Version 2. Collection method: clinical testing. Allele origin: germline. Affected: yes. Observed: 1 variant allele.
Comment: TNXB: BP4, BP7

Ambry Genetics
Classification: Likely benign for Cardiovascular phenotype. Last evaluated: 2019-08-27. Review status: criteria provided, single submitter. Criteria: Ambry Variant Classification Scheme 2023. Collection method: clinical testing. Allele origin: germline.

GeneDx
Classification: Likely benign. Last evaluated: 2019-08-08. Review status: criteria provided, single submitter. Criteria: GeneDx Variant Classification Process June 2021. Collection method: clinical testing. Allele origin: germline. Affected: yes.

PreventionGenetics, part of Exact Sciences
Classification: Likely benign for TNXB-related condition. Last evaluated: 2019-08-29. Review status: no assertion criteria provided. Collection method: clinical testing. Allele origin: germline. Not counted in ClinVar's aggregate classification.
Comment: This variant is classified as likely benign based on ACMG/AMP sequence variant interpretation guidelines (Richards et al. 2015 PMID: 25741868, with internal and published modifications).

NM_001365276.2(TNXB):c.6711G>A (p.Ala2237=)

Gene: TNXB (tenascin XB; minus strand). Cytogenetic location: 6p21.33.
Variant type: single nucleotide variant.
Coding change: c.6711G>A on transcript NM_001365276.2 (MANE Select); coding-DNA position 6711, G replaced by A.
Protein change: p.Ala2237=; no amino-acid change (alanine 2237 retained).
Molecular consequence: synonymous variant.
Genome position (GRCh38, 1-based): chr6:32,064,951, C>T on the plus strand (G>A on the coding strand, the complement: TNXB is on the minus strand). VCF-style: chr6-32064951-C-T. GRCh37 (hg19) VCF-style: chr6-32032728-C-T.
Other names: c.6711G>A, p.Ala2237= (NM_019105.8).
Identifiers: ClinVar variation 1197475 (VCV001197475.30), dbSNP rs376198482, ClinGen allele CA3734353.